The following is an entry in ClinVar:

ClinVar aggregate classification (germline): Likely benign (1 of 4 stars; one submission).

Conditions:
HSD17B4-related disorder. Also called: HSD17B4-related condition; HSD17B4-related disorders.

gnomAD v4.1: 90 of 1,586,934 alleles (0.0057%); highest among the groups gnomAD compares: African/African-American, 0.0094%; 1 homozygote.

Submission:

PreventionGenetics, part of Exact Sciences
Classification: Likely benign for HSD17B4-related condition. Last evaluated: 2025-11-11. Review status: criteria provided, single submitter. Criteria: ACMG Guidelines, 2015. Collection method: clinical testing. Allele origin: germline.
Comment: This variant is classified as likely benign based on ACMG/AMP sequence variant interpretation guidelines (Richards et al. 2015 PMID: 25741868, with internal and published modifications).

NM_000414.4(HSD17B4):c.58+120A>G

Gene: HSD17B4 (hydroxysteroid 17-beta dehydrogenase 4; plus strand). Cytogenetic location: 5q23.1.
Variant type: single nucleotide variant.
Coding change: c.58+120A>G on transcript NM_000414.4 (MANE Select); 120 bases into the intron after coding-DNA position 58, A replaced by G.
Molecular consequence: intron variant. On other transcripts: 5 prime UTR variant (7), non-coding transcript variant (1).
Genome position (GRCh38, 1-based): chr5:119,452,753, A>G. VCF-style: chr5-119452753-A-G. GRCh37 (hg19) VCF-style: chr5-118788448-A-G.
Other names: c.-1A>G (NM_001199291.3); c.-422A>G (NM_001292028.2, NM_001374501.1); c.-356A>G (NM_001374499.1); c.-549A>G (NM_001374500.1); c.-427A>G (NM_001374502.1); c.-492A>G (NM_001374503.1); c.-80+120A>G (NM_001292027.2); c.58+120A>G (NM_001374498.1, NM_001374497.1, NM_001199292.2).
Identifiers: ClinVar variation 4981586 (VCV004981586.1).